The following is an entry in ClinVar:

ClinVar aggregate classification (germline): Uncertain significance (1 of 4 stars; one submission).

Conditions:
Pheochromocytoma. Also called: MAX-Related Hereditary Paraganglioma-Pheochromocytoma Syndrome. Identifiers: Orphanet 29072, MedGen C0031511, MONDO:0008233, OMIM 171300, HP:0002666.
Gastrointestinal stromal tumor. Also called: Gastrointestinal stromal tumor, somatic; Gastrointestinal stroma tumor. Identifiers: Orphanet 44890, MedGen C0238198, MeSH D046152, MONDO:0011719, OMIM 606764, HP:0100723.
Pheochromocytoma/paraganglioma syndrome 4. Also called: CAROTID BODY TUMORS AND MULTIPLE EXTRAADRENAL PHEOCHROMOCYTOMAS; PARAGANGLIOMA, FAMILIAL MALIGNANT; PARAGANGLIOMAS, HEREDITARY EXTRAADRENAL; PHEOCHROMOCYTOMA, FAMILIAL EXTRAADRENAL; Paragangliomas 4; SDHB-Related Hereditary Paraganglioma-Pheochromocytoma Syndrome (Paragangliomas 4). Identifiers: Orphanet 29072, MedGen C1861848, MONDO:0007273, OMIM 115310.

Submission:

Labcorp Genetics (formerly Invitae), Labcorp
Classification: Uncertain significance for Gastrointestinal stromal tumor; Pheochromocytoma/paraganglioma syndrome 4; Pheochromocytoma. Last evaluated: 2023-03-16. Review status: criteria provided, single submitter. Criteria: Invitae Variant Classification Sherloc (09022015). Collection method: clinical testing. Allele origin: germline.
Comment: In summary, the available evidence is currently insufficient to determine the role of this variant in disease. Therefore, it has been classified as a Variant of Uncertain Significance. Advanced modeling of protein sequence and biophysical properties (such as structural, functional, and spatial information, amino acid conservation, physicochemical variation, residue mobility, and thermodynamic stability) performed at Invitae indicates that this missense variant is not expected to disrupt SDHB protein function. This variant has not been reported in the literature in individuals affected with SDHB-related conditions. This variant is not present in population databases (gnomAD no frequency). This sequence change replaces phenylalanine, which is neutral and non-polar, with valine, which is neutral and non-polar, at codon 238 of the SDHB protein (p.Phe238Val).

NM_003000.3(SDHB):c.712T>G (p.Phe238Val)

Gene: SDHB (succinate dehydrogenase complex iron sulfur subunit B; minus strand). Cytogenetic location: 1p36.13.
Variant type: single nucleotide variant.
Coding change: c.712T>G on transcript NM_003000.3 (MANE Select); coding-DNA position 712, T replaced by G.
Protein change: p.Phe238Val; replaces phenylalanine 238 with valine.
Molecular consequence: missense variant.
Genome position (GRCh38, 1-based): chr1:17,022,661, A>C on the plus strand (T>G on the coding strand, the complement: SDHB is on the minus strand). VCF-style: chr1-17022661-A-C. GRCh37 (hg19) VCF-style: chr1-17349156-A-C.
Other names: c.658T>G, p.Phe220Val (NM_001407361.1); short protein forms F238V, F220V.
Identifiers: ClinVar variation 2945347 (VCV002945347.3), dbSNP rs2525003958, ClinGen allele CA338270256.